The following is an entry in ClinVar:

ClinVar aggregate classification (germline): Likely benign. Review status: criteria provided, multiple submitters, no conflicts (2 of 4 stars). 2 submissions from 2 submitters: Likely benign (2). Last evaluated 2026-02-01.

Conditions:
CERKL-related disorder. Also called: CERKL-related condition.

Allele frequency attached by ClinVar (database versions not stated): ExAC 0.00001; gnomAD exomes 0.00002; gnomAD 0.00007; TOPMed 0.00007.
gnomAD v4.1: 39 of 1,584,556 alleles (0.0025%); highest among the groups gnomAD compares: African/African-American, 0.022%; no homozygotes.

Submissions (2):

Labcorp Genetics (formerly Invitae), Labcorp
Classification: Likely benign. Last evaluated: 2026-02-01. Review status: criteria provided, single submitter. Criteria: Invitae Variant Classification Sherloc (09022015). Collection method: clinical testing. Allele origin: germline.

PreventionGenetics, part of Exact Sciences
Classification: Likely benign for CERKL-related condition. Last evaluated: 2025-10-02. Review status: criteria provided, single submitter. Criteria: ACMG Guidelines, 2015. Collection method: clinical testing. Allele origin: germline.
Comment: This variant is classified as likely benign based on ACMG/AMP sequence variant interpretation guidelines (Richards et al. 2015 PMID: 25741868, with internal and published modifications).

NM_201548.5(CERKL):c.37C>T (p.Leu13=)

Genes: CERKL (CERK like autophagy regulator; minus strand), LOC129935215 (ATAC-STARR-seq lymphoblastoid silent region 12158; plus strand). Cytogenetic location: 2q31.3.
Variant type: single nucleotide variant.
Coding change: c.37C>T on transcript NM_201548.5 (MANE Select); coding-DNA position 37, C replaced by T.
Protein change: p.Leu13=; no amino-acid change (leucine 13 retained).
Molecular consequence: synonymous variant. On other transcripts: non-coding transcript variant (2).
Genome position (GRCh38, 1-based): chr2:181,656,970, G>A on the plus strand (C>T on the coding strand, the complement: CERKL is on the minus strand). VCF-style: chr2-181656970-G-A. GRCh37 (hg19) VCF-style: chr2-182521697-G-A.
Other names: c.37C>T (NM_001030311.2); c.37C>T, p.Leu13= (NM_001030311.3, NM_001030312.3, NM_001030313.3 and 1 more transcripts).
Identifiers: ClinVar variation 1120718 (VCV001120718.10), dbSNP rs748859967, ClinGen allele CA2010971.